The following is an entry in ClinVar:

ClinVar aggregate classification (germline): Uncertain significance (1 of 4 stars; one submission).

Conditions:
Duchenne muscular dystrophy (DMD). Also called: MUSCULAR DYSTROPHY, PSEUDOHYPERTROPHIC PROGRESSIVE, DUCHENNE TYPE; Duchenne Muscular Dystrophy (DMD). Identifiers: Orphanet 98896, MedGen C0013264, MONDO:0010679, OMIM 310200.

Allele frequency attached by ClinVar (database versions not stated): gnomAD exomes 0.00001 and 0.00002; TOPMed 0.00002; ExAC 0.00003.
gnomAD v4.1: 3 of 1,204,929 alleles (0.00025%); highest among the groups gnomAD compares: Admixed American, 0.0065%; no homozygotes.

Submission:

Labcorp Genetics (formerly Invitae), Labcorp
Classification: Uncertain significance for Duchenne muscular dystrophy. Last evaluated: 2022-07-25. Review status: criteria provided, single submitter. Criteria: Invitae Variant Classification Sherloc (09022015). Collection method: clinical testing. Allele origin: germline.
Comment: This sequence change replaces glutamic acid, which is acidic and polar, with alanine, which is neutral and non-polar, at codon 3502 of the DMD protein (p.Glu3502Ala). This variant is present in population databases (rs773880226, gnomAD 0.01%). This variant has not been reported in the literature in individuals affected with DMD-related conditions. ClinVar contains an entry for this variant (Variation ID: 1404941). Algorithms developed to predict the effect of missense changes on protein structure and function (SIFT, PolyPhen-2, Align-GVGD) all suggest that this variant is likely to be disruptive. In summary, the available evidence is currently insufficient to determine the role of this variant in disease. Therefore, it has been classified as a Variant of Uncertain Significance.

NM_004006.3(DMD):c.10505A>C (p.Glu3502Ala)

Gene: DMD (dystrophin; minus strand). Cytogenetic location: Xp21.2.
Variant type: single nucleotide variant.
Coding change: c.10505A>C on transcript NM_004006.3 (MANE Select); coding-DNA position 10505, A replaced by C.
Protein change: p.Glu3502Ala; replaces glutamic acid 3502 with alanine.
Molecular consequence: missense variant. On other transcripts: intron variant (2).
Genome position (GRCh38, 1-based): chrX:31,169,491, T>G on the plus strand (A>C on the coding strand, the complement: DMD is on the minus strand). VCF-style: chrX-31169491-T-G. GRCh37 (hg19) VCF-style: chrX-31187608-T-G.
Other names: c.10481A>C, p.Glu3494Ala (NM_000109.4); c.10493A>C, p.Glu3498Ala (NM_004009.3); c.10136A>C, p.Glu3379Ala (NM_004010.3); c.6482A>C, p.Glu2161Ala (NM_004011.4); c.6473A>C, p.Glu2158Ala (NM_004012.4); c.3125A>C, p.Glu1042Ala (NM_004013.3, NM_004021.3); c.2318A>C, p.Glu773Ala (NM_004014.3); c.1301A>C, p.Glu434Ala (NM_004015.3, NM_004016.3); and 3 more; short protein forms E1042A, E2161A, E3494A, E421A, E434A, E1029A, E3379A, E773A.
Identifiers: ClinVar variation 1404941 (VCV001404941.3), dbSNP rs773880226, ClinGen allele CA10377585.